The following is an entry in ClinVar:

NM_006164.5(NFE2L2):c.636G>A (p.Met212Ile)

Gene: NFE2L2 (NFE2 like bZIP transcription factor 2; minus strand). Cytogenetic location: 2q31.2.
Variant type: single nucleotide variant.
Coding change: c.636G>A on transcript NM_006164.5 (MANE Select); coding-DNA position 636, G replaced by A.
Protein change: p.Met212Ile; replaces methionine 212 with isoleucine.
Molecular consequence: missense variant.
Genome position (GRCh38, 1-based): chr2:177,231,967, C>T on the plus strand (G>A on the coding strand, the complement: NFE2L2 is on the minus strand). VCF-style: chr2-177231967-C-T. GRCh37 (hg19) VCF-style: chr2-178096695-C-T.
Other names: c.588G>A, p.Met196Ile (NM_001145412.3, NM_001313900.1, NM_001313901.1); c.567G>A, p.Met189Ile (NM_001145413.3); c.546G>A, p.Met182Ile (NM_001313902.2); c.417G>A, p.Met139Ile (NM_001313903.2); c.336G>A, p.Met112Ile (NM_001313904.1); short protein forms M112I, M189I, M139I, M182I, M212I, M196I.
Identifiers: ClinVar variation 2393453 (VCV002393453.4), dbSNP rs776021543, ClinGen allele CA1979821.
Genomic context (GRCh38, chr2:177,231,967, plus strand): 5'-TATAGATGAGTAAAAATGATAATTGTCAACTTCTGTCAGTTTGGCTTCTGGACTTGGAAC[C>T]ATGGTAGTCTCAACCAGCTTGTCATTTTCAATATTAAGACACTGCATGAGAAGGAAGTTT-3'
Protein context (NP_006155.2, residues 202-222): IENDKLVETT[Met212Ile]VPSPEAKLTE

ClinVar aggregate classification (germline): Uncertain significance. Review status: criteria provided, multiple submitters, no conflicts (2 of 4 stars). 2 submissions from 2 submitters: Uncertain significance (2). Last evaluated 2025-09-24.

Allele frequency attached by ClinVar (database versions not stated): TOPMed below 0.00001; ExAC 0.00001; gnomAD exomes below 0.00001; gnomAD 0.00001.
gnomAD v4.1: 4 of 1,613,198 alleles (0.00025%); highest among the groups gnomAD compares: Admixed American, 0.0033%; no homozygotes.

Submissions (2):

Ambry Genetics
Classification: Uncertain significance. Last evaluated: 2025-09-24. Review status: criteria provided, single submitter. Criteria: Ambry Variant Classification Scheme 2023. Collection method: clinical testing. Allele origin: germline.

Labcorp Genetics (formerly Invitae), Labcorp
Classification: Uncertain significance. Last evaluated: 2025-05-13. Review status: criteria provided, single submitter. Criteria: Invitae Variant Classification Sherloc (09022015). Collection method: clinical testing. Allele origin: germline.
Comment: This sequence change replaces methionine, which is neutral and non-polar, with isoleucine, which is neutral and non-polar, at codon 212 of the NFE2L2 protein (p.Met212Ile). This variant is present in population databases (rs776021543, gnomAD 0.006%). This variant has not been reported in the literature in individuals affected with NFE2L2-related conditions. ClinVar contains an entry for this variant (Variation ID: 2393453). Invitae Evidence Modeling of protein sequence and biophysical properties (such as structural, functional, and spatial information, amino acid conservation, physicochemical variation, residue mobility, and thermodynamic stability) indicates that this missense variant is not expected to disrupt NFE2L2 protein function with a negative predictive value of 80%. In summary, the available evidence is currently insufficient to determine the role of this variant in disease. Therefore, it has been classified as a Variant of Uncertain Significance.